The following is an entry in ClinVar:

NM_001001331.4(ATP2B2):c.2330G>A (p.Arg777Gln)

Gene: ATP2B2 (ATPase plasma membrane Ca2+ transporting 2; minus strand). Cytogenetic location: 3p25.3.
Variant type: single nucleotide variant.
Coding change: c.2330G>A on transcript NM_001001331.4 (MANE Select); coding-DNA position 2330, G replaced by A.
Protein change: p.Arg777Gln; replaces arginine 777 with glutamine.
Molecular consequence: missense variant.
Genome position (GRCh38, 1-based): chr3:10,350,186, C>T on the plus strand (G>A on the coding strand, the complement: ATP2B2 is on the minus strand). VCF-style: chr3-10350186-C-T. GRCh37 (hg19) VCF-style: chr3-10391870-C-T.
Other names: c.2195G>A, p.Arg732Gln (NM_001330611.3, NM_001353564.1, NM_001363862.1 and 2 more transcripts); c.2237G>A, p.Arg746Gln (NM_001438646.1); short protein forms R732Q, R746Q, R777Q.
Identifiers: ClinVar variation 4797030 (VCV004797030.1).

ClinVar aggregate classification (germline): Uncertain significance (1 of 4 stars; one submission).

gnomAD v4.1: 28 of 1,607,512 alleles (0.0017%); highest among the groups gnomAD compares: African/African-American, 0.0081%; no homozygotes.

Submission:

Labcorp Genetics (formerly Invitae), Labcorp
Classification: Uncertain significance. Last evaluated: 2025-03-05. Review status: criteria provided, single submitter. Criteria: Invitae Variant Classification Sherloc (09022015). Collection method: clinical testing. Allele origin: germline.
Comment: This sequence change replaces arginine, which is basic and polar, with glutamine, which is neutral and polar, at codon 732 of the ATP2B2 protein (p.Arg732Gln). This variant is present in population databases (rs761076118, gnomAD 0.01%). This variant has not been reported in the literature in individuals affected with ATP2B2-related conditions. Invitae Evidence Modeling of protein sequence and biophysical properties (such as structural, functional, and spatial information, amino acid conservation, physicochemical variation, residue mobility, and thermodynamic stability) indicates that this missense variant is not expected to disrupt ATP2B2 protein function with a negative predictive value of 80%. In summary, the available evidence is currently insufficient to determine the role of this variant in disease. Therefore, it has been classified as a Variant of Uncertain Significance.